The following is an entry in ClinVar:

NM_001079866.2(BCS1L):c.967G>A (p.Glu323Lys)

Gene: BCS1L (BCS1 ubiquinol-cytochrome c reductase complex chaperone; plus strand). Cytogenetic location: 2q35.
Variant type: single nucleotide variant.
Coding change: c.967G>A on transcript NM_001079866.2 (MANE Select); coding-DNA position 967, G replaced by A.
Protein change: p.Glu323Lys; replaces glutamic acid 323 with lysine.
Molecular consequence: missense variant. On other transcripts: non-coding transcript variant (1).
Genome position (GRCh38, 1-based): chr2:218,662,960, G>A. VCF-style: chr2-218662960-G-A. GRCh37 (hg19) VCF-style: chr2-219527683-G-A.
Other names: c.967G>A, p.Glu323Lys (NM_001320717.2, NM_001371443.1, NM_001371444.1 and 10 more transcripts); c.607G>A, p.Glu203Lys (NM_001371451.1, NM_001318836.2); c.466G>A, p.Glu156Lys (NM_001371452.1, NM_001371453.1, NM_001371454.1 and 3 more transcripts); short protein forms E323K, E203K, E156K.
Identifiers: ClinVar variation 389473 (VCV000389473.3), dbSNP rs372817977, ClinGen allele CA2109802.

ClinVar aggregate classification (germline): Uncertain significance. Review status: criteria provided, single submitter (1 of 4 stars). 2 submissions from 2 submitters: Uncertain significance (1). 1 of the submissions does not count toward it. Last evaluated 2016-10-06.

Conditions:
GRACILE syndrome (FLNMS). Also called: FELLMAN SYNDROME; FINNISH LETHAL NEONATAL METABOLIC SYNDROME. Identifiers: Orphanet 53693, MedGen C1864002, MONDO:0011308, OMIM 603358.

Allele frequency attached by ClinVar (database versions not stated): gnomAD exomes below 0.00001 and 0.00001; TOPMed 0.00001; ExAC 0.00002; gnomAD 0.00002; ESP Exome Variant Server 0.00008.
gnomAD v4.1: 5 of 1,613,920 alleles (0.00031%); highest among the groups gnomAD compares: African/African-American, 0.004%; no homozygotes.

Submissions (2):

GeneDx
Classification: Uncertain significance. Last evaluated: 2016-10-06. Review status: criteria provided, single submitter. Criteria: GeneDx Variant Classification (06012015). Collection method: clinical testing. Allele origin: germline. Affected: yes.
Comment: A variant of uncertain significance has been identified in the BCS1L gene. The E323K variant has not been published as a pathogenic variant, nor has it been reported as a benign variant to our knowledge. The E323K variant was not observed at any significant frequency in approximately 6,500 individuals of European and African American ancestry in the NHLBI Exome Sequencing Project, indicating it is not a common benign variant in these populations. The E323K variant is a non-conservative amino acid substitution, which is likely to impact secondary protein structure as these residues differ in polarity, charge, size and/or other properties. This substitution occurs at a position that is conserved across species, and in silico analysis predicts this variant is probably damaging to the protein structure/function. Therefore, based on the currently available information, it is unclear whether this variant is a pathogenic variant or a rare benign variant.

Natera, Inc.
Classification: Uncertain significance for GRACILE syndrome. Last evaluated: 2020-07-16. Review status: no assertion criteria provided. Collection method: clinical testing. Allele origin: germline. Not counted in ClinVar's aggregate classification.